The following is an entry in ClinVar:

NM_001164665.2(KIAA1549):c.460G>A (p.Asp154Asn)

Gene: KIAA1549 (KIAA1549; minus strand). Cytogenetic location: 7q34.
Variant type: single nucleotide variant.
Coding change: c.460G>A on transcript NM_001164665.2 (MANE Select); coding-DNA position 460, G replaced by A.
Protein change: p.Asp154Asn; replaces aspartic acid 154 with asparagine.
Molecular consequence: missense variant.
Genome position (GRCh38, 1-based): chr7:138,919,166, C>T on the plus strand (G>A on the coding strand, the complement: KIAA1549 is on the minus strand). VCF-style: chr7-138919166-C-T. GRCh37 (hg19) VCF-style: chr7-138603912-C-T.
Other names: c.460G>A, p.Asp154Asn (NM_020910.3); short protein forms D154N.
Identifiers: ClinVar variation 1040961 (VCV001040961.8), dbSNP rs1812460305, ClinGen allele CA369403022.

ClinVar aggregate classification (germline): Uncertain significance (1 of 4 stars; one submission).

Submission:

Labcorp Genetics (formerly Invitae), Labcorp
Classification: Uncertain significance. Last evaluated: 2020-07-20. Review status: criteria provided, single submitter. Criteria: Invitae Variant Classification Sherloc (09022015). Collection method: clinical testing. Allele origin: germline.
Comment: This sequence change replaces aspartic acid with asparagine at codon 154 of the KIAA1549 protein (p.Asp154Asn). The aspartic acid residue is moderately conserved and there is a small physicochemical difference between aspartic acid and asparagine. This variant is not present in population databases (ExAC no frequency). This variant has not been reported in the literature in individuals with KIAA1549-related conditions. Algorithms developed to predict the effect of missense changes on protein structure and function are either unavailable or do not agree on the potential impact of this missense change (SIFT: "Deleterious"; PolyPhen-2: "Possibly Damaging"; Align-GVGD: "Class C0"). In summary, the available evidence is currently insufficient to determine the role of this variant in disease. Therefore, it has been classified as a Variant of Uncertain Significance.